The following is an entry in ClinVar:

NM_004341.5(CAD):c.1083A>G (p.Thr361=)

Gene: CAD (carbamoyl-phosphate synthetase 2, aspartate transcarbamylase, and dihydroorotase; plus strand). Cytogenetic location: 2p23.3.
Variant type: single nucleotide variant.
Coding change: c.1083A>G on transcript NM_004341.5 (MANE Select); coding-DNA position 1083, A replaced by G.
Protein change: p.Thr361=; no amino-acid change (threonine 361 retained).
Molecular consequence: synonymous variant.
Genome position (GRCh38, 1-based): chr2:27,224,004, A>G. VCF-style: chr2-27224004-A-G. GRCh37 (hg19) VCF-style: chr2-27446872-A-G.
Other names: c.1083A>G, p.Thr361= (NM_001306079.2).
Identifiers: ClinVar variation 714610 (VCV000714610.52), dbSNP rs138694613, ClinGen allele CA1572599.

ClinVar aggregate classification (germline): Benign/Likely benign. Review status: criteria provided, multiple submitters, no conflicts (2 of 4 stars). 4 submissions from 4 submitters: Benign (1); Likely benign (2). 1 of the submissions does not count toward it. Last evaluated 2026-08-01.

Conditions:
CAD-related disorder. Also called: CAD-related condition.

Allele frequency attached by ClinVar (database versions not stated): 1000 Genomes Project 0.00200; 1000 Genomes Project 30x 0.00203; TOPMed 0.00291; ESP Exome Variant Server 0.00454; gnomAD 0.00457 and 0.00470; gnomAD exomes 0.00532 and 0.00546; ExAC 0.00592.
gnomAD v4.1: 8,629 of 1,613,686 alleles (0.53%); highest among the groups gnomAD compares: Non-Finnish European, 0.56%; 35 homozygotes.

Submissions (4):

CeGaT Center for Human Genetics Tuebingen
Classification: Likely benign. Last evaluated: 2026-08-01. Review status: criteria provided, single submitter. Criteria: CeGaT Center For Human Genetics Tuebingen Variant Classification Criteria Version 2. Collection method: clinical testing. Allele origin: germline. Affected: yes. Observed: 39 variant alleles.
Comment: CAD: BP4, BP7, BS2

Labcorp Genetics (formerly Invitae), Labcorp
Classification: Benign. Last evaluated: 2026-02-02. Review status: criteria provided, single submitter. Criteria: Invitae Variant Classification Sherloc (09022015). Collection method: clinical testing. Allele origin: germline.

Breakthrough Genomics
Classification: Likely benign. Review status: criteria provided, single submitter. Criteria: ACMG Guidelines, 2015. Collection method: not provided. Allele origin: germline. Inheritance: Autosomal recessive inheritance. Affected: yes.

PreventionGenetics, part of Exact Sciences
Classification: Benign for CAD-related condition. Last evaluated: 2019-10-01. Review status: no assertion criteria provided. Collection method: clinical testing. Allele origin: germline. Not counted in ClinVar's aggregate classification.
Comment: This variant is classified as benign based on ACMG/AMP sequence variant interpretation guidelines (Richards et al. 2015 PMID: 25741868, with internal and published modifications).